The following is an entry in ClinVar:

ClinVar aggregate classification (germline): Uncertain significance. Review status: criteria provided, multiple submitters, no conflicts (2 of 4 stars). 3 submissions from 3 submitters: Uncertain significance (3). Last evaluated 2025-11-11.

Conditions:
Neuropathy, hereditary sensory and autonomic, type 2A (HSAN2A). Also called: MORVAN DISEASE; NEUROPATHY, CONGENITAL SENSORY; NEUROPATHY, HEREDITARY SENSORY RADICULAR, AUTOSOMAL RECESSIVE; NEUROPATHY, HEREDITARY SENSORY, TYPE IIA; NEUROPATHY, PROGRESSIVE SENSORY, OF CHILDREN; WNK1-Related HSAN2 (HSAN2A). Identifiers: Orphanet 970, MedGen C2752089, MONDO:0024309, OMIM 201300.
Generalized epilepsy with febrile seizures plus, type 7 (GEFSP7). Also called: GEFS+, TYPE 7. Identifiers: Orphanet 36387, MedGen C2751778, MONDO:0013470, OMIM 613863.

Allele frequency attached by ClinVar (database versions not stated): gnomAD exomes below 0.00001 and 0.00001; ExAC 0.00001; gnomAD 0.00001.
gnomAD v4.1: 8 of 1,614,174 alleles (0.0005%); highest among the groups gnomAD compares: Middle Eastern, 0.033%; no homozygotes.

Submissions (3):

Dasa
Classification: Uncertain significance. Last evaluated: 2025-11-11. Review status: criteria provided, single submitter. Criteria: DASA Assertion Criteria. Collection method: clinical testing. Allele origin: germline.
Comment: NM_001365536.1(SCN9A):c.1859G>A (p.Ser620Asn) is a missense variant that results in the substitution of serine with asparagine. This variant is rare in population databases. The currently available literature and clinical evidence are not sufficient to establish a definitive association between this variant and the reported condition. Therefore, this variant is classified as a variant of uncertain significance.

Labcorp Genetics (formerly Invitae), Labcorp
Classification: Uncertain significance for Neuropathy, hereditary sensory and autonomic, type 2A; Generalized epilepsy with febrile seizures plus, type 7. Last evaluated: 2024-10-24. Review status: criteria provided, single submitter. Criteria: Invitae Variant Classification Sherloc (09022015). Collection method: clinical testing. Allele origin: germline.
Comment: This sequence change replaces serine, which is neutral and polar, with asparagine, which is neutral and polar, at codon 620 of the SCN9A protein (p.Ser620Asn). This variant is present in population databases (rs750921890, gnomAD 0.003%). This variant has not been reported in the literature in individuals affected with SCN9A-related conditions. ClinVar contains an entry for this variant (Variation ID: 1424753). Invitae Evidence Modeling of protein sequence and biophysical properties (such as structural, functional, and spatial information, amino acid conservation, physicochemical variation, residue mobility, and thermodynamic stability) indicates that this missense variant is not expected to disrupt SCN9A protein function with a negative predictive value of 95%. In summary, the available evidence is currently insufficient to determine the role of this variant in disease. Therefore, it has been classified as a Variant of Uncertain Significance.

Blueprint Genetics
Classification: Uncertain significance. Last evaluated: 2021-08-20. Review status: criteria provided, single submitter. Criteria: ACMG Guidelines, 2015. Collection method: clinical testing. Allele origin: germline.

NM_001365536.1(SCN9A):c.1859G>A (p.Ser620Asn)

Genes: SCN9A (sodium voltage-gated channel alpha subunit 9; minus strand), SCN1A-AS1 (SCN1A and SCN9A antisense RNA 1; plus strand). Cytogenetic location: 2q24.3.
Variant type: single nucleotide variant.
Coding change: c.1859G>A on transcript NM_001365536.1 (MANE Select); coding-DNA position 1859, G replaced by A.
Protein change: p.Ser620Asn; replaces serine 620 with asparagine.
Molecular consequence: missense variant.
Genome position (GRCh38, 1-based): chr2:166,284,568, C>T on the plus strand (G>A on the coding strand, the complement: SCN9A is on the minus strand). VCF-style: chr2-166284568-C-T. GRCh37 (hg19) VCF-style: chr2-167141078-C-T.
Other names: c.1859G>A, p.Ser620Asn (NM_002977.4); short protein forms S620N.
Identifiers: ClinVar variation 1424753 (VCV001424753.11), dbSNP rs750921890, ClinGen allele CA1944415.